The following is an entry in ClinVar:

NM_001267550.2(TTN):c.87834_87835del (p.Asp29278fs)

Genes: TTN (titin; minus strand), TTN-AS1 (TTN antisense RNA 1; plus strand). Cytogenetic location: 2q31.2.
Variant type: Deletion.
Coding change: c.87834_87835del on transcript NM_001267550.2 (MANE Select); coding-DNA positions 87834 to 87835, 2 bases deleted (CA; older notation c.87834_87835delCA).
Protein change: p.Asp29278fs; shifts the reading frame from aspartic acid 29278.
Molecular consequence: frameshift variant.
Genome position (GRCh38, 1-based): chr2:178,557,427-178,557,428, TG deleted on the plus strand (CA on the coding strand, the reverse complement: TTN is on the minus strand); deleting any 2 consecutive bases within chr2:178,557,427-178,557,429 gives the same sequence; the c. name uses the placement nearest the transcript's 3' end. VCF-style (leftmost placement, unchanged base first): chr2-178557426-CTG-C. GRCh37 (hg19) VCF-style: chr2-179422153-CTG-C.
Other names: c.82911_82912del, p.Asp27637fs (NM_001256850.1); c.60639_60640del, p.Asp20213fs (NM_003319.4); c.80130_80131del, p.Asp26710fs (NM_133378.4); c.61014_61015del, p.Asp20338fs (NM_133432.3); c.61215_61216del, p.Asp20405fs (NM_133437.4); short protein forms D20213fs, D20338fs, D20405fs, D26710fs, D27637fs, D29278fs.
Identifiers: ClinVar variation 1066160 (VCV001066160.9), dbSNP rs2154155619, ClinGen allele CA2499215327.

ClinVar aggregate classification (germline): Likely pathogenic (1 of 4 stars; one submission).

Conditions:
Dilated cardiomyopathy 1G (CMD1G). Identifiers: Orphanet 154, MedGen C1858763, MONDO:0011400, OMIM 604145.
Autosomal recessive limb-girdle muscular dystrophy type 2J (LGMDR10). Also called: Limb-girdle muscular dystrophy, type 2J; MUSCULAR DYSTROPHY, LIMB-GIRDLE, AUTOSOMAL RECESSIVE 10. Identifiers: Orphanet 140922, MedGen C1837342, MONDO:0012127, OMIM 608807.

Submission:

Labcorp Genetics (formerly Invitae), Labcorp
Classification: Likely pathogenic for Dilated cardiomyopathy 1G; Autosomal recessive limb-girdle muscular dystrophy type 2J. Last evaluated: 2022-03-14. Review status: criteria provided, single submitter. Criteria: Invitae Variant Classification Sherloc (09022015). Collection method: clinical testing. Allele origin: germline.
Comment: This sequence change creates a premature translational stop signal (p.Asp29278Glufs*31) in the TTN gene. While this is not anticipated to result in nonsense mediated decay, it is expected to create a truncated TTN protein. This variant is not present in population databases (gnomAD no frequency). This variant has not been reported in the literature in individuals affected with TTN-related conditions. ClinVar contains an entry for this variant (Variation ID: 1066160). This variant is located in the A band of TTN (PMID: 25589632). Truncating variants in this region are significantly overrepresented in patients affected with dilated cardiomyopathy (PMID: 25589632). Truncating variants in this region have also been reported in individuals affected with autosomal recessive centronuclear myopathy (PMID: 23975875). In summary, the currently available evidence indicates that the variant is pathogenic, but additional data are needed to prove that conclusively. Therefore, this variant has been classified as Likely Pathogenic.

Literature cited by the submitters: PubMed 25589632; PubMed 23975875.